The following is an entry in ClinVar:

ClinVar aggregate classification (germline): Uncertain significance (1 of 4 stars; one submission).

Allele frequency attached by ClinVar (database versions not stated): gnomAD 0.00004; TOPMed 0.00004; ExAC 0.00006; gnomAD exomes 0.00014.
gnomAD v4.1: 53 of 1,497,474 alleles (0.0035%); highest among the groups gnomAD compares: Admixed American, 0.075%; no homozygotes.

Submission:

Labcorp Genetics (formerly Invitae), Labcorp
Classification: Uncertain significance. Last evaluated: 2024-11-05. Review status: criteria provided, single submitter. Criteria: Invitae Variant Classification Sherloc (09022015). Collection method: clinical testing. Allele origin: germline.
Comment: This sequence change replaces isoleucine, which is neutral and non-polar, with valine, which is neutral and non-polar, at codon 53 of the DARS protein (p.Ile53Val). This variant is present in population databases (rs773931622, gnomAD 0.1%). This variant has not been reported in the literature in individuals affected with DARS-related conditions. ClinVar contains an entry for this variant (Variation ID: 1682566). Invitae Evidence Modeling of protein sequence and biophysical properties (such as structural, functional, and spatial information, amino acid conservation, physicochemical variation, residue mobility, and thermodynamic stability) indicates that this missense variant is not expected to disrupt DARS protein function with a negative predictive value of 80%. In summary, the available evidence is currently insufficient to determine the role of this variant in disease. Therefore, it has been classified as a Variant of Uncertain Significance.

NM_001349.4(DARS1):c.157A>G (p.Ile53Val)

Gene: DARS1 (aspartyl-tRNA synthetase 1; minus strand). Cytogenetic location: 2q21.3.
Variant type: single nucleotide variant.
Coding change: c.157A>G on transcript NM_001349.4 (MANE Select); coding-DNA position 157, A replaced by G.
Protein change: p.Ile53Val; replaces isoleucine 53 with valine.
Molecular consequence: missense variant. On other transcripts: 5 prime UTR variant (1).
Genome position (GRCh38, 1-based): chr2:135,979,334, T>C on the plus strand (A>G on the coding strand, the complement: DARS1 is on the minus strand). VCF-style: chr2-135979334-T-C. GRCh37 (hg19) VCF-style: chr2-136736904-T-C.
Other names: c.-144A>G (NM_001293312.1); short protein forms I53V.
Identifiers: ClinVar variation 1682566 (VCV001682566.5), dbSNP rs773931622, ClinGen allele CA1889920.
Genomic context (GRCh38, chr2:135,979,334, plus strand): 5'-CTTTAGCTCTGCTTGTATGAACTCTTGCACGTACCCAAACAACTTCATCAGCTTTTTGTA[T>C]TGTCAAGTCTCTAACCCGAACCAAAACTCGATCTGTAATAACAGTAAACGATTTTTATAT-3'
Protein context (NP_001340.2, residues 43-63): RVLVRVRDLT[Ile53Val]QKADEVVWVR